The following is an entry in ClinVar:

ClinVar aggregate classification (germline): Pathogenic (1 of 4 stars; one submission).

Submission:

Labcorp Genetics (formerly Invitae), Labcorp
Classification: Pathogenic. Last evaluated: 2022-10-06. Review status: criteria provided, single submitter. Criteria: Invitae Variant Classification Sherloc (09022015). Collection method: clinical testing. Allele origin: germline.
Comment: For these reasons, this variant has been classified as Pathogenic. This variant has not been reported in the literature in individuals affected with COL4A4-related conditions. This variant is a gross deletion of the genomic region encompassing exon(s) 16-19 of the COL4A4 gene. This deletion is out-of-frame, and is expected to create a premature termination codon and result in an absent or disrupted protein product. Loss-of-function variants in COL4A4 are known to be pathogenic (PMID: 21196518, 24854265, 25307543).

Literature cited by the submitters: PubMed 21196518; PubMed 24854265; PubMed 25307543.

NC_000002.11:g.(?_227963400)_(227966635_?)del

Gene: COL4A4 (collagen type IV alpha 4 chain; minus strand). Cytogenetic location: 2q36.3.
Variant type: Deletion.
Identifiers: ClinVar variation 2422345 (VCV002422345.4).